The following is an entry in ClinVar:

NM_177550.5(SLC13A5):c.840-28G>A

Gene: SLC13A5 (solute carrier family 13 member 5; minus strand). Cytogenetic location: 17p13.1.
Variant type: single nucleotide variant.
Coding change: c.840-28G>A on transcript NM_177550.5 (MANE Select); 28 bases into the intron before coding-DNA position 840, G replaced by A.
Molecular consequence: intron variant.
Genome position (GRCh38, 1-based): chr17:6,695,969, C>T on the plus strand (G>A on the coding strand, the complement: SLC13A5 is on the minus strand). VCF-style: chr17-6695969-C-T. GRCh37 (hg19) VCF-style: chr17-6599288-C-T.
Other names: c.711-28G>A (NM_001284510.2); c.789-28G>A (NM_001284509.2); c.840-28G>A (NM_001143838.3).
Identifiers: ClinVar variation 677426 (VCV000677426.2), dbSNP rs77795940, ClinGen allele CA8331589.

ClinVar aggregate classification (germline): Benign. Review status: criteria provided, multiple submitters, no conflicts (2 of 4 stars). 2 submissions from 2 submitters: Benign (2). Last evaluated 2018-06-14.

Allele frequency attached by ClinVar (database versions not stated): 1000 Genomes Project 0.02216; 1000 Genomes Project 30x 0.02327; TOPMed 0.03535; gnomAD 0.03635 and 0.03683; gnomAD exomes 0.03753; ExAC 0.03764; ESP Exome Variant Server 0.04060.
gnomAD v4.1: 73,401 of 1,606,850 alleles (4.6%); highest among the groups gnomAD compares: Middle Eastern, 6.7%; 1,881 homozygotes.

Submissions (2):

GeneDx
Classification: Benign. Last evaluated: 2018-06-14. Review status: criteria provided, single submitter. Criteria: GeneDx Variant Classification (06012015). Collection method: clinical testing. Allele origin: germline. Affected: yes.
Comment: This variant is considered likely benign or benign based on one or more of the following criteria: it is a conservative change, it occurs at a poorly conserved position in the protein, it is predicted to be benign by multiple in silico algorithms, and/or has population frequency not consistent with disease.

Breakthrough Genomics
Classification: Benign. Review status: criteria provided, single submitter. Criteria: ACMG Guidelines, 2015. Collection method: not provided. Allele origin: germline. Inheritance: Autosomal recessive inheritance. Affected: yes.